The following is an entry in ClinVar:

ClinVar aggregate classification (germline): Uncertain significance. Review status: criteria provided, multiple submitters, no conflicts (2 of 4 stars). 5 submissions from 5 submitters: Uncertain significance (5). Last evaluated 2025-12-09.

Conditions:
Nephrolithiasis/nephrocalcinosis. Identifiers: MedGen CN580796.
Autosomal dominant hypocalcemia 1 (HYPOC1). Also called: HYPOCALCEMIA, FAMILIAL. Identifiers: MedGen C3715128, MONDO:0011013, OMIM 601198.
Familial hypocalciuric hypercalcemia (FHH). Also called: Familial benign hypercalcemia. Identifiers: Orphanet 405, MedGen C1809471, MONDO:0018458.
Neonatal severe primary hyperparathyroidism. Identifiers: Orphanet 417, MedGen C1832615, MONDO:0009397, OMIM 239200.
Familial hypocalciuric hypercalcemia 1. Also called: Hypercalcemia, familial benign type 1. Identifiers: Orphanet 405, Orphanet 93372, MedGen C0342637, MONDO:0007791, OMIM 145980.
Epilepsy, idiopathic generalized, susceptibility to, 8. Identifiers: MedGen C2752062, MONDO:0013032, OMIM 612899.

Allele frequency attached by ClinVar (database versions not stated): ExAC 0.00001; gnomAD exomes 0.00001; TOPMed 0.00002; gnomAD 0.00003; ESP Exome Variant Server 0.00008.
gnomAD v4.1: 19 of 1,613,972 alleles (0.0012%); highest among the groups gnomAD compares: Admixed American, 0.0017%; no homozygotes.

Submissions (5):

Labcorp Genetics (formerly Invitae), Labcorp
Classification: Uncertain significance for Familial hypocalciuric hypercalcemia; Autosomal dominant hypocalcemia 1. Last evaluated: 2025-12-09. Review status: criteria provided, single submitter. Criteria: Invitae Variant Classification Sherloc (09022015). Collection method: clinical testing. Allele origin: germline.
Comment: This sequence change replaces asparagine, which is neutral and polar, with serine, which is neutral and polar, at codon 488 of the CASR protein (p.Asn488Ser). This variant is present in population databases (rs146739893, gnomAD 0.003%). This variant has not been reported in the literature in individuals affected with CASR-related conditions. ClinVar contains an entry for this variant (Variation ID: 532602). An algorithm developed to predict the effect of missense changes on protein structure and function (PolyPhen-2) suggests that this variant is likely to be tolerated. In summary, the available evidence is currently insufficient to determine the role of this variant in disease. Therefore, it has been classified as a Variant of Uncertain Significance.

Mayo Clinic Laboratories, Mayo Clinic
Classification: Uncertain significance. Last evaluated: 2025-08-10. Review status: criteria provided, single submitter. Criteria: ACMG Guidelines, 2015. Collection method: clinical testing. Allele origin: germline. Observed: 1 variant allele.
Comment: PP2, PM2_supporting

Ambry Genetics
Classification: Uncertain significance for Nephrolithiasis/nephrocalcinosis. Last evaluated: 2023-07-27. Review status: criteria provided, single submitter. Criteria: Ambry Variant Classification Scheme 2023. Collection method: clinical testing. Allele origin: germline.
Comment: The p.N488S variant (also known as c.1463A>G), located in coding exon 4 of the CASR gene, results from an A to G substitution at nucleotide position 1463. The asparagine at codon 488 is replaced by serine, an amino acid with highly similar properties. This amino acid position is highly conserved in available vertebrate species. In addition, this alteration is predicted to be tolerated by in silico analysis. Since supporting evidence is limited at this time, the clinical significance of this alteration remains unclear.

Fulgent Genetics
Classification: Uncertain significance for Familial hypocalciuric hypercalcemia 1; Neonatal severe primary hyperparathyroidism; Autosomal dominant hypocalcemia 1; Epilepsy, idiopathic generalized, susceptibility to, 8. Last evaluated: 2021-11-23. Review status: criteria provided, single submitter. Criteria: ACMG Guidelines, 2015. Collection method: clinical testing. Allele origin: unknown.

GeneDx
Classification: Uncertain significance. Last evaluated: 2019-09-21. Review status: criteria provided, single submitter. Criteria: GeneDx Variant Classification Process June 2021. Collection method: clinical testing. Allele origin: germline. Affected: yes.
Comment: Not observed at a significant frequency in large population cohorts (Lek et al., 2016); In silico analysis, which includes protein predictors and evolutionary conservation, supports that this variant does not alter protein structure/function; Has not been previously published as pathogenic or benign to our knowledge

NM_000388.4(CASR):c.1463A>G (p.Asn488Ser)

Gene: CASR (calcium sensing receptor; plus strand). Cytogenetic location: 3q21.1.
Variant type: single nucleotide variant.
Coding change: c.1463A>G on transcript NM_000388.4 (MANE Select); coding-DNA position 1463, A replaced by G.
Protein change: p.Asn488Ser; replaces asparagine 488 with serine.
Molecular consequence: missense variant.
Genome position (GRCh38, 1-based): chr3:122,275,897, A>G. VCF-style: chr3-122275897-A-G. GRCh37 (hg19) VCF-style: chr3-121994744-A-G.
Other names: p.Asn488Ser; c.1463A>G, p.Asn488Ser (NM_001178065.2); short protein forms N488S.
Identifiers: ClinVar variation 532602 (VCV000532602.15), dbSNP rs146739893, ClinGen allele CA2569664.